The following is an entry in ClinVar:

NM_003070.5(SMARCA2):c.3361A>G (p.Ile1121Val)

Gene: SMARCA2 (SWI/SNF related BAF chromatin remodeling complex subunit ATPase 2; plus strand). Cytogenetic location: 9p24.3.
Variant type: single nucleotide variant.
Coding change: c.3361A>G on transcript NM_003070.5 (MANE Select); coding-DNA position 3361, A replaced by G.
Protein change: p.Ile1121Val; replaces isoleucine 1121 with valine.
Molecular consequence: missense variant.
Genome position (GRCh38, 1-based): chr9:2,110,322, A>G. VCF-style: chr9-2110322-A-G. GRCh37 (hg19) VCF-style: chr9-2110322-A-G.
Other names: c.3361A>G, p.Ile1121Val (NM_001289396.2, NM_139045.4); c.3187A>G, p.Ile1063Val (NM_001289397.2); short protein forms I1063V, I1121V.
Identifiers: ClinVar variation 4990383 (VCV004990383.1).

ClinVar aggregate classification (germline): Uncertain significance (1 of 4 stars; one submission).

Conditions:
SMARCA2-related disorder. Also called: SMARCA2-related condition.

Submission:

PreventionGenetics, part of Exact Sciences
Classification: Uncertain significance for SMARCA2-related condition. Last evaluated: 2025-10-10. Review status: criteria provided, single submitter. Criteria: ACMG Guidelines, 2015. Collection method: clinical testing. Allele origin: germline.
Comment: The SMARCA2 c.3361A>G variant is predicted to result in the amino acid substitution p.Ile1121Val. This variant was reported in an individual with neurodevelopmental disorder; however, the inheritance of the variant was not determined (Supplementary Table 1, Valencia et al. 2023. PubMed ID: 37500730). This variant has not been reported in a large population database (gnomAD), indicating this variant is rare. At this time, the clinical significance of this variant is uncertain due to the absence of conclusive functional and genetic evidence.